The following is an entry in ClinVar:

NM_000492.4(CFTR):c.2932A>T (p.Lys978Ter)

Genes: CFTR (CF transmembrane conductance regulator; plus strand), CFTR-AS2 (CFTR antisense RNA 2; minus strand). Cytogenetic location: 7q31.2.
Variant type: single nucleotide variant.
Coding change: c.2932A>T on transcript NM_000492.4 (MANE Select); coding-DNA position 2932, A replaced by T.
Protein change: p.Lys978Ter; replaces lysine 978 with a stop codon.
Molecular consequence: nonsense.
Genome position (GRCh38, 1-based): chr7:117,606,697, A>T. VCF-style: chr7-117606697-A-T. GRCh37 (hg19) VCF-style: chr7-117246751-A-T.
Other names: short protein forms K978*.
Identifiers: ClinVar variation 35855 (VCV000035855.12), dbSNP rs193922514, ClinGen allele CA325702.
Genomic context (GRCh38, chr7:117,606,697, plus strand): 5'-GTGTTTTTTGAGGAATTTGTCATCTTGTATATTATAGGTGGGATTCTTAATAGATTCTCC[A>T]AAGATATAGCAATTTTGGATGACCTTCTGCCTCTTACCATATTTGACTTCATCCAGGTAT-3'

ClinVar aggregate classification (germline): Pathogenic. Review status: criteria provided, multiple submitters, no conflicts (2 of 4 stars). 7 submissions from 7 submitters: Pathogenic (5). 2 of the submissions do not count toward it. Last evaluated 2026-08-11.

Conditions:
CFTR-related disorder (CFTR-RD). Also called: CFTR-related disorders; CFTR-related condition. Identifiers: MedGen C5924204, MONDO:7770004.
Cystic fibrosis (CF). Also called: MUCOVISCIDOSIS. Identifiers: Orphanet 586, MedGen C0010674, MONDO:0009061, OMIM 219700. Disease mechanism: loss of function.
Bronchiectasis with or without elevated sweat chloride 1 (BESC1). Also called: Cystic Fibrosis-Like Syndrome. Identifiers: Orphanet 60033, MedGen C2749757, MONDO:0008887, OMIM 211400.

Submissions (7):

PreventionGenetics, part of Exact Sciences
Classification: Pathogenic for CFTR-related condition. Last evaluated: 2026-08-11. Review status: criteria provided, single submitter. Criteria: ACMG Guidelines, 2015. Collection method: clinical testing. Allele origin: germline.
Comment: The CFTR c.2932A>T variant is predicted to result in premature protein termination (p.Lys978*). This variant was reported in association with cystic fibrosis (Beauchamp et al. 2019. PubMed ID: 31036917; Raraigh et al. 2021. PubMed ID: 34782259). This variant has not been reported in a large population database (gnomAD), indicating this variant is rare. Nonsense variants in CFTR are expected to be pathogenic. This variant is interpreted as pathogenic.

Ambry Genetics
Classification: Pathogenic for Cystic fibrosis. Last evaluated: 2026-06-29. Review status: criteria provided, single submitter. Criteria: Ambry Variant Classification Scheme 2023. Collection method: clinical testing. Allele origin: germline.
Comment: The p.K978* pathogenic mutation (also known as c.2932A>T), located in coding exon 18 of the CFTR gene, results from an A to T substitution at nucleotide position 2932. This changes the amino acid from a lysine to a stop codon within coding exon 18. This variant is considered to be rare based on population cohorts in the Genome Aggregation Database (gnomAD). This alteration is expected to result in loss of function by premature protein truncation or nonsense-mediated mRNA decay. As such, this alteration is interpreted as a disease-causing mutation.

Women's Health and Genetics/Laboratory Corporation of America, LabCorp
Classification: Pathogenic for Cystic fibrosis. Last evaluated: 2025-02-27. Review status: criteria provided, single submitter. Criteria: LabCorp Variant Classification Summary - May 2015. Collection method: clinical testing. Allele origin: germline.
Comment: Variant summary: CFTR c.2932A>T (p.Lys978X) results in a premature termination codon, predicted to cause a truncation of the encoded protein or absence of the protein due to nonsense mediated decay, which are commonly known mechanisms for disease. The variant was absent in 251144 control chromosomes. c.2932A>T has been reported in the literature in at-least one individual affected with Cystic Fibrosis (example: Beauchamp_2019). The following publication has been ascertained in the context of this evaluation (PMID: 31036917). ClinVar contains an entry for this variant (Variation ID: 35855). Based on the evidence outlined above, the variant was classified as pathogenic.

Baylor Genetics
Classification: Pathogenic for Bronchiectasis with or without elevated sweat chloride 1. Last evaluated: 2023-05-23. Review status: criteria provided, single submitter. Criteria: ACMG Guidelines, 2015. Collection method: clinical testing. Allele origin: unknown.

Labcorp Genetics (formerly Invitae), Labcorp
Classification: Pathogenic for Cystic fibrosis. Last evaluated: 2022-01-20. Review status: criteria provided, single submitter. Criteria: Invitae Variant Classification Sherloc (09022015). Collection method: clinical testing. Allele origin: germline.
Comment: For these reasons, this variant has been classified as Pathogenic. ClinVar contains an entry for this variant (Variation ID: 35855). This variant has not been reported in the literature in individuals affected with CFTR-related conditions. This variant is not present in population databases (gnomAD no frequency). This sequence change creates a premature translational stop signal (p.Lys978*) in the CFTR gene. It is expected to result in an absent or disrupted protein product. Loss-of-function variants in CFTR are known to be pathogenic (PMID: 1695717, 7691345, 9725922).

Natera, Inc.
Classification: Likely pathogenic for Cystic Fibrosis. Last evaluated: 2020-09-16. Review status: no assertion criteria provided. Collection method: clinical testing. Allele origin: germline. Not counted in ClinVar's aggregate classification.

Counsyl
Classification: Likely pathogenic for Cystic fibrosis. Last evaluated: 2018-03-05. Review status: no assertion criteria provided. Collection method: clinical testing. Allele origin: unknown. Not counted in ClinVar's aggregate classification.

Literature cited by the submitters: PubMed 31036917 (cited by Women's Health and Genetics/Laboratory Corporation of America, LabCorp); PubMed 1695717 (cited by Labcorp Genetics (formerly Invitae), Labcorp); PubMed 7691345 (cited by Labcorp Genetics (formerly Invitae), Labcorp); PubMed 9725922 (cited by Labcorp Genetics (formerly Invitae), Labcorp).